The following is an entry in ClinVar:

ClinVar aggregate classification (germline): Uncertain significance (1 of 4 stars; one submission).

Conditions:
Hereditary cancer-predisposing syndrome. Also called: Neoplastic Syndromes, Hereditary; Tumor predisposition; Hereditary Cancer Syndrome; Hereditary neoplastic syndrome. Identifiers: Orphanet 140162, MedGen C0027672, MeSH D009386, MONDO:0015356.

Submission:

Ambry Genetics
Classification: Uncertain significance for Hereditary cancer-predisposing syndrome. Last evaluated: 2026-06-10. Review status: criteria provided, single submitter. Criteria: Ambry Variant Classification Scheme 2023. Collection method: clinical testing. Allele origin: germline.
Comment: The p.I151N variant (also known as c.452T>A), located in coding exon 4 of the SMARCB1 gene, results from a T to A substitution at nucleotide position 452. The isoleucine at codon 151 is replaced by asparagine, an amino acid with dissimilar properties. This amino acid position is conserved. In addition, this alteration is predicted to be deleterious by in silico analysis. Based on the available evidence, the clinical significance of this variant remains unclear.

NM_003073.5(SMARCB1):c.452T>A (p.Ile151Asn)

Gene: SMARCB1 (SWI/SNF related BAF chromatin remodeling complex subunit B1; plus strand). Cytogenetic location: 22q11.23.
Variant type: single nucleotide variant.
Coding change: c.452T>A on transcript NM_003073.5 (MANE Select); coding-DNA position 452, T replaced by A.
Protein change: p.Ile151Asn; replaces isoleucine 151 with asparagine.
Molecular consequence: missense variant.
Genome position (GRCh38, 1-based): chr22:23,801,033, T>A. VCF-style: chr22-23801033-T-A. GRCh37 (hg19) VCF-style: chr22-24143220-T-A.
Other names: c.425T>A, p.Ile142Asn (NM_001007468.3, NM_001317946.2); c.452T>A, p.Ile151Asn (NM_001362877.2); short protein forms I142N, I151N.
Identifiers: ClinVar variation 4864838 (VCV004864838.1).